The following is an entry in ClinVar:

ClinVar aggregate classification (germline): Uncertain significance (1 of 4 stars; one submission).

Conditions:
Familial acute necrotizing encephalopathy (IIAE3). Also called: ENCEPHALOPATHY, ACUTE, INFECTION-INDUCED, SUSCEPTIBILITY TO, 3; Susceptibility to Acute Necrotizing Encephalopathy 1. Identifiers: Orphanet 88619, MedGen C2675556, MONDO:0011953, OMIM 608033.

Submission:

Labcorp Genetics (formerly Invitae), Labcorp
Classification: Uncertain significance for Familial acute necrotizing encephalopathy. Last evaluated: 2019-01-29. Review status: criteria provided, single submitter. Criteria: Invitae Variant Classification Sherloc (09022015). Collection method: clinical testing. Allele origin: germline.
Comment: In summary, the available evidence is currently insufficient to determine the role of this variant in disease. Therefore, it has been classified as a Variant of Uncertain Significance. Algorithms developed to predict the effect of missense changes on protein structure and function output the following: SIFT: "Deleterious"; PolyPhen-2: "Benign"; Align-GVGD: "Class C0". The alanine amino acid residue is found in multiple mammalian species, suggesting that this missense change does not adversely affect protein function. These predictions have not been confirmed by published functional studies and their clinical significance is uncertain. This variant has not been reported in the literature in individuals with RANBP2-related conditions. This variant is not present in population databases (ExAC no frequency). This sequence change replaces threonine with alanine at codon 1698 of the RANBP2 protein (p.Thr1698Ala). The threonine residue is highly conserved and there is a small physicochemical difference between threonine and alanine.

NM_006267.5(RANBP2):c.5092A>G (p.Thr1698Ala)

Gene: RANBP2 (RAN binding protein 2; plus strand). Cytogenetic location: 2q13.
Variant type: single nucleotide variant.
Coding change: c.5092A>G on transcript NM_006267.5 (MANE Select); coding-DNA position 5092, A replaced by G.
Protein change: p.Thr1698Ala; replaces threonine 1698 with alanine.
Molecular consequence: missense variant.
Genome position (GRCh38, 1-based): chr2:108,765,631, A>G. VCF-style: chr2-108765631-A-G. GRCh37 (hg19) VCF-style: chr2-109382087-A-G.
Other names: short protein forms T1698A.
Identifiers: ClinVar variation 842768 (VCV000842768.10), dbSNP rs1677063662, ClinGen allele CA348070112.
Genomic context (GRCh38, chr2:108,765,631, plus strand): 5'-AATGAAGCCAGTGCTACCAAATGTATTGCTTGTCAGAATCCAGGTAAACAAAATCAAACT[A>G]CTTCTGCAGTTTCAACACCTGCCTCTTCAGAGACAAGCAAGGCTCCAAAGAGCGGATTTG-3'
Protein context (NP_006258.3, residues 1688-1708): CQNPGKQNQT[Thr1698Ala]SAVSTPASSE